The following is an entry in ClinVar:

NM_006514.4(SCN10A):c.3046G>C (p.Asp1016His)

Genes: SCN10A (sodium voltage-gated channel alpha subunit 10; minus strand), LOC110121288 (VISTA enhancer hs2268; plus strand). Cytogenetic location: 3p22.2.
Variant type: single nucleotide variant.
Coding change: c.3046G>C on transcript NM_006514.4 (MANE Select); coding-DNA position 3046, G replaced by C.
Protein change: p.Asp1016His; replaces aspartic acid 1016 with histidine.
Molecular consequence: missense variant.
Genome position (GRCh38, 1-based): chr3:38,726,647, C>G on the plus strand (G>C on the coding strand, the complement: SCN10A is on the minus strand). VCF-style: chr3-38726647-C-G. GRCh37 (hg19) VCF-style: chr3-38768138-C-G.
Other names: c.3046G>C, p.Asp1016His (NM_001293306.2); c.2752G>C, p.Asp918His (NM_001293307.2); short protein forms D918H, D1016H.
Identifiers: ClinVar variation 4743298 (VCV004743298.1).

ClinVar aggregate classification (germline): Uncertain significance (1 of 4 stars; one submission).

Conditions:
Brugada syndrome. Also called: Sudden unexpected nocturnal death syndrome; Sudden Unexplained Death Syndrome; Sudden Unexplained Nocturnal Death Syndrome (SUNDS); Sudden unexplained nocturnal death syndrome. Identifiers: Orphanet 130, MedGen C1142166, MONDO:0015263.

gnomAD v4.1: 1 of 1,602,346 alleles (0.000062%); highest among the groups gnomAD compares: Non-Finnish European, 0.000085%; no homozygotes.

Submission:

Labcorp Genetics (formerly Invitae), Labcorp
Classification: Uncertain significance for Brugada syndrome. Last evaluated: 2025-05-11. Review status: criteria provided, single submitter. Criteria: Invitae Variant Classification Sherloc (09022015). Collection method: clinical testing. Allele origin: germline.
Comment: This sequence change replaces aspartic acid, which is acidic and polar, with histidine, which is basic and polar, at codon 1016 of the SCN10A protein (p.Asp1016His). This variant is not present in population databases (gnomAD no frequency). This variant has not been reported in the literature in individuals affected with SCN10A-related conditions. Invitae Evidence Modeling of protein sequence and biophysical properties (such as structural, functional, and spatial information, amino acid conservation, physicochemical variation, residue mobility, and thermodynamic stability) indicates that this missense variant is not expected to disrupt SCN10A protein function with a negative predictive value of 80%. In summary, the available evidence is currently insufficient to determine the role of this variant in disease. Therefore, it has been classified as a Variant of Uncertain Significance.